The following is an entry in ClinVar:

NM_001385012.1(NBEA):c.2755A>G (p.Ile919Val)

Gene: NBEA (neurobeachin; plus strand). Cytogenetic location: 13q13.3.
Variant type: single nucleotide variant.
Coding change: c.2755A>G on transcript NM_001385012.1 (MANE Select); coding-DNA position 2755, A replaced by G.
Protein change: p.Ile919Val; replaces isoleucine 919 with valine.
Molecular consequence: missense variant.
Genome position (GRCh38, 1-based): chr13:35,157,181, A>G. VCF-style: chr13-35157181-A-G. GRCh37 (hg19) VCF-style: chr13-35731318-A-G.
Other names: c.2755A>G, p.Ile919Val (NM_001379245.1, NM_015678.5); short protein forms I919V.
Identifiers: ClinVar variation 3774633 (VCV003774633.1).

ClinVar aggregate classification (germline): Uncertain significance (1 of 4 stars; one submission).

gnomAD v4.1: 3 of 1,610,846 alleles (0.00019%); highest among the groups gnomAD compares: East Asian, 0.0022%; no homozygotes.

Submission:

GeneDx
Classification: Uncertain significance. Last evaluated: 2024-09-20. Review status: criteria provided, single submitter. Criteria: GeneDx Variant Classification Process June 2021. Collection method: clinical testing. Allele origin: germline. Affected: yes.
Comment: Not observed at significant frequency in large population cohorts (gnomAD); In silico analysis indicates that this missense variant does not alter protein structure/function; Has not been previously published as pathogenic or benign to our knowledge